The following is an entry in ClinVar:

ClinVar aggregate classification (germline): Conflicting classifications of pathogenicity. Review status: criteria provided, conflicting classifications (1 of 4 stars). 4 submissions from 4 submitters: Uncertain significance (3); Likely benign (1). Last evaluated 2026-07-06.

Conditions:
Hereditary cancer-predisposing syndrome. Also called: Neoplastic Syndromes, Hereditary; Hereditary Cancer Syndrome; Hereditary neoplastic syndrome; Tumor predisposition. Identifiers: Orphanet 140162, MedGen C0027672, MeSH D009386, MONDO:0015356.
Hereditary breast ovarian cancer syndrome. Also called: Breast and ovarian cancer; Hereditary breast and ovarian cancer syndrome (HBOC); BRCA1- and BRCA2-Associated Hereditary Breast and Ovarian Cancer; Hereditary breast and ovarian cancer syndrome; Hereditary breast and ovarian cancer; Hereditary breast and/or ovarian cancer syndrome. Identifiers: Orphanet 145, MedGen C0677776, MeSH D061325, MONDO:0003582. Disease mechanism: loss of function.

Submissions (4):

Ambry Genetics
Classification: Uncertain significance for Hereditary cancer-predisposing syndrome. Last evaluated: 2026-07-06. Review status: criteria provided, single submitter. Criteria: Ambry Variant Classification Scheme 2023. Collection method: clinical testing. Allele origin: germline.
Comment: The p.K970E variant (also known as c.2908A>G), located in coding exon 9 of the BRCA1 gene, results from an A to G substitution at nucleotide position 2908. The lysine at codon 970 is replaced by glutamic acid, an amino acid with similar properties. This amino acid position is conserved. In addition, the in silico prediction for this alteration is inconclusive. Based on the available evidence, the clinical significance of this variant remains unclear.

Labcorp Genetics (formerly Invitae), Labcorp
Classification: Uncertain significance for Hereditary breast ovarian cancer syndrome. Last evaluated: 2023-06-09. Review status: criteria provided, single submitter. Criteria: Invitae Variant Classification Sherloc (09022015). Collection method: clinical testing. Allele origin: germline.
Comment: Advanced modeling of protein sequence and biophysical properties (such as structural, functional, and spatial information, amino acid conservation, physicochemical variation, residue mobility, and thermodynamic stability) performed at Invitae indicates that this missense variant is not expected to disrupt BRCA1 protein function. ClinVar contains an entry for this variant (Variation ID: 630058). This variant has not been reported in the literature in individuals affected with BRCA1-related conditions. This variant is not present in population databases (gnomAD no frequency). This sequence change replaces lysine, which is basic and polar, with glutamic acid, which is acidic and polar, at codon 970 of the BRCA1 protein (p.Lys970Glu). In summary, the available evidence is currently insufficient to determine the role of this variant in disease. Therefore, it has been classified as a Variant of Uncertain Significance.

University of Washington Department of Laboratory Medicine, University of Washington
Classification: Likely benign for Hereditary cancer-predisposing syndrome. Last evaluated: 2023-03-23. Review status: criteria provided, single submitter. Criteria: Dines et al. (Genet Med. 2020). Collection method: curation. Allele origin: germline.
Comment: Missense variant in a coldspot region where missense variants are very unlikely to be pathogenic (PMID:31911673).

BRCA1 coldspot (exon 11 using historical exon numbering). Reclassification based on statistical prior probability

Color Diagnostics, LLC DBA Color Health
Classification: Uncertain significance for Hereditary cancer-predisposing syndrome. Last evaluated: 2019-05-02. Review status: criteria provided, single submitter. Criteria: ACMG Guidelines, 2015. Collection method: clinical testing. Allele origin: germline.

NM_007294.4(BRCA1):c.2908A>G (p.Lys970Glu)

Gene: BRCA1 (BRCA1 DNA repair associated; minus strand). Cytogenetic location: 17q21.31.
Variant type: single nucleotide variant.
Coding change: c.2908A>G on transcript NM_007294.4 (MANE Select); coding-DNA position 2908, A replaced by G.
Protein change: p.Lys970Glu; replaces lysine 970 with glutamic acid.
Molecular consequence: missense variant. On other transcripts: intron variant (137).
Genome position (GRCh38, 1-based): chr17:43,092,623, T>C on the plus strand (A>G on the coding strand, the complement: BRCA1 is on the minus strand). VCF-style: chr17-43092623-T-C. GRCh37 (hg19) VCF-style: chr17-41244640-T-C.
Other names: c.671-1591A>G (NM_001408418.1, NM_001408419.1, NM_001408423.1 and 2 more transcripts); c.788-1591A>G (NM_001407981.1, NM_007298.4, NM_001407978.1 and 17 more transcripts); c.644-1591A>G (NM_001408462.1, NM_001408468.1, NM_001408470.1 and 3 more transcripts); c.710-1591A>G (NM_001408414.1, NM_001408411.1, NM_001408415.1 and 2 more transcripts); c.578-1591A>G (NM_001408514.1, NM_001408485.1, NM_001408483.1 and 9 more transcripts); c.662-1591A>G (NM_001408447.1, NM_001408433.1, NM_001408448.1 and 6 more transcripts); c.785-1591A>G (NM_001408400.1, NM_001408392.1, NM_001407986.1 and 13 more transcripts); c.665-1591A>G (NM_001408441.1, NM_001408437.1, NM_001408429.1 and 12 more transcripts); and 41 more; short protein forms K970E, K923E, K674E, K843E, K859E, K842E, K882E, K903E.
Identifiers: ClinVar variation 630058 (VCV000630058.10), dbSNP rs1567793674, ClinGen allele CA10596176.